The following is an entry in ClinVar:

ClinVar aggregate classification (germline): Uncertain significance (1 of 4 stars; one submission).

Conditions:
Rhabdoid tumor predisposition syndrome 2 (RTPS2). Identifiers: Orphanet 231108, Orphanet 69077, MedGen C2750074, MONDO:0013224, OMIM 613325.

Submission:

Labcorp Genetics (formerly Invitae), Labcorp
Classification: Uncertain significance for Rhabdoid tumor predisposition syndrome 2. Last evaluated: 2020-03-28. Review status: criteria provided, single submitter. Criteria: Invitae Variant Classification Sherloc (09022015). Collection method: clinical testing. Allele origin: germline.
Comment: Algorithms developed to predict the effect of missense changes on protein structure and function are either unavailable or do not agree on the potential impact of this missense change (SIFT: "Deleterious"; PolyPhen-2: "Possibly Damaging"; Align-GVGD: "Class C15"). In summary, the available evidence is currently insufficient to determine the role of this variant in disease. Therefore, it has been classified as a Variant of Uncertain Significance. This variant has not been reported in the literature in individuals with SMARCA4-related conditions. This sequence change replaces phenylalanine with leucine at codon 1316 of the SMARCA4 protein (p.Phe1316Leu). The phenylalanine residue is highly conserved and there is a small physicochemical difference between phenylalanine and leucine. This variant is not present in population databases (ExAC no frequency).

NM_003072.5(SMARCA4):c.3946T>C (p.Phe1316Leu)

Gene: SMARCA4 (SWI/SNF related BAF chromatin remodeling complex subunit ATPase 4; plus strand). Cytogenetic location: 19p13.2.
Variant type: single nucleotide variant.
Coding change: c.3946T>C on transcript NM_003072.5 (MANE Select); coding-DNA position 3946, T replaced by C.
Protein change: p.Phe1316Leu; replaces phenylalanine 1316 with leucine.
Molecular consequence: missense variant. On other transcripts: non-coding transcript variant (1).
Genome position (GRCh38, 1-based): chr19:11,034,195, T>C. VCF-style: chr19-11034195-T-C. GRCh37 (hg19) VCF-style: chr19-11144871-T-C.
Other names: c.3946T>C, p.Phe1316Leu (NM_001128844.3, NM_001128849.3); c.3847T>C, p.Phe1283Leu (NM_001128845.2, NM_001128846.2, NM_001128847.4 and 2 more transcripts); short protein forms F1283L, F1316L.
Identifiers: ClinVar variation 945330 (VCV000945330.9), dbSNP rs2075120276, ClinGen allele CA404067951.
Genomic context (GRCh38, chr19:11,034,195, plus strand): 5'-GTGCCCGACGACGAGACCGTCAACCAGATGATCGCCCGGCACGAGGAGGAGTTTGATCTG[T>C]TCATGGTAAGCGCTGCAGGCTGGATGGGGCAGTTCAGGCATCCCACTCTGCTGCCACCAG-3'
Protein context (NP_003063.2, residues 1306-1326): IARHEEEFDL[Phe1316Leu]MRMDLDRRRE